The following is an entry in ClinVar:

NM_000179.3(MSH6):c.3839A>G (p.Gln1280Arg)

Gene: MSH6 (mutS homolog 6; plus strand). Cytogenetic location: 2p16.3.
Variant type: single nucleotide variant.
Coding change: c.3839A>G on transcript NM_000179.3 (MANE Select); coding-DNA position 3839, A replaced by G.
Protein change: p.Gln1280Arg; replaces glutamine 1280 with arginine.
Molecular consequence: missense variant.
Genome position (GRCh38, 1-based): chr2:47,806,489, A>G. VCF-style: chr2-47806489-A-G. GRCh37 (hg19) VCF-style: chr2-48033628-A-G.
Other names: c.3449A>G, p.Gln1150Arg (NM_001281492.2); c.2933A>G, p.Gln978Arg (NM_001281493.2, NM_001281494.2); short protein forms Q1150R, Q1280R, Q978R.
Identifiers: ClinVar variation 1044153 (VCV001044153.10), dbSNP rs1210663110, ClinGen allele CA346761290.

ClinVar aggregate classification (germline): Conflicting classifications of pathogenicity. Review status: criteria provided, conflicting classifications (1 of 4 stars). 3 submissions from 3 submitters: Uncertain significance (2); Likely benign (1). Last evaluated 2025-04-07.

Conditions:
Hereditary cancer-predisposing syndrome. Also called: Hereditary Cancer Syndrome; Tumor predisposition; Hereditary neoplastic syndrome; Neoplastic Syndromes, Hereditary. Identifiers: Orphanet 140162, MedGen C0027672, MeSH D009386, MONDO:0015356.
Hereditary nonpolyposis colorectal neoplasms. Identifiers: MedGen C0009405, MeSH D003123.

Allele frequency attached by ClinVar (database versions not stated): gnomAD exomes below 0.00001.
gnomAD v4.1: 1 of 1,614,132 alleles (0.000062%); highest among the groups gnomAD compares: Non-Finnish European, 0.000085%; no homozygotes.

Submissions (3):

Ambry Genetics
Classification: Uncertain significance for Hereditary cancer-predisposing syndrome. Last evaluated: 2025-04-07. Review status: criteria provided, single submitter. Criteria: Ambry Variant Classification Scheme 2023. Collection method: clinical testing. Allele origin: germline.
Comment: The p.Q1280R variant (also known as c.3839A>G), located in coding exon 9 of the MSH6 gene, results from an A to G substitution at nucleotide position 3839. The glutamine at codon 1280 is replaced by arginine, an amino acid with highly similar properties. This amino acid position is conserved. In addition, this alteration is predicted to be deleterious by in silico analysis. Based on the available evidence, the clinical significance of this variant remains unclear.

Labcorp Genetics (formerly Invitae), Labcorp
Classification: Likely benign for Hereditary nonpolyposis colorectal neoplasms. Last evaluated: 2024-05-06. Review status: criteria provided, single submitter. Criteria: Invitae Variant Classification Sherloc (09022015). Collection method: clinical testing. Allele origin: germline.

Color Diagnostics, LLC DBA Color Health
Classification: Uncertain significance for Hereditary cancer-predisposing syndrome. Last evaluated: 2020-11-16. Review status: criteria provided, single submitter. Criteria: ACMG Guidelines, 2015. Collection method: clinical testing. Allele origin: germline.
Comment: This missense variant replaces glutamine with arginine at codon 1280 of the MSH6 protein. Computational prediction is inconclusive regarding the impact of this variant on protein structure and function (internally defined REVEL score threshold 0.5 < inconclusive < 0.7, PMID: 27666373). To our knowledge, functional studies have not been reported for this variant. This variant has not been reported in individuals affected with hereditary cancer in the literature. This variant has been identified in 1/250924 chromosomes in the general population by the Genome Aggregation Database (gnomAD). The available evidence is insufficient to determine the role of this variant in disease conclusively. Therefore, this variant is classified as a Variant of Uncertain Significance.